The following is an entry in ClinVar:

ClinVar aggregate classification (germline): Uncertain significance. Review status: criteria provided, multiple submitters, no conflicts (2 of 4 stars). 2 submissions from 2 submitters: Uncertain significance (2). Last evaluated 2022-04-11.

Conditions:
Cardiovascular phenotype. Identifiers: MedGen CN230736.
Dilated cardiomyopathy 1O (CMD1O). Also called: CARDIOMYOPATHY, DILATED, WITH VENTRICULAR TACHYCARDIA. Identifiers: Orphanet 154, MedGen C1837839, MONDO:0012062, OMIM 608569.

Allele frequency attached by ClinVar (database versions not stated): gnomAD exomes below 0.00001; TOPMed below 0.00001; gnomAD 0.00001.
gnomAD v4.1: 3 of 1,613,416 alleles (0.00019%); highest among the groups gnomAD compares: Admixed American, 0.0017%; no homozygotes.

Submissions (2):

Labcorp Genetics (formerly Invitae), Labcorp
Classification: Uncertain significance for Dilated cardiomyopathy 1O. Last evaluated: 2022-04-11. Review status: criteria provided, single submitter. Criteria: Invitae Variant Classification Sherloc (09022015). Collection method: clinical testing. Allele origin: germline.
Comment: In summary, the available evidence is currently insufficient to determine the role of this variant in disease. Therefore, it has been classified as a Variant of Uncertain Significance. Algorithms developed to predict the effect of missense changes on protein structure and function (SIFT, PolyPhen-2, Align-GVGD) all suggest that this variant is likely to be tolerated. This variant has not been reported in the literature in individuals affected with ABCC9-related conditions. This variant is present in population databases (no rsID available, gnomAD 0.003%). This sequence change replaces aspartic acid, which is acidic and polar, with asparagine, which is neutral and polar, at codon 952 of the ABCC9 protein (p.Asp952Asn).

Ambry Genetics
Classification: Uncertain significance for Cardiovascular phenotype. Last evaluated: 2021-09-17. Review status: criteria provided, single submitter. Criteria: Ambry Variant Classification Scheme 2023. Collection method: clinical testing. Allele origin: germline.
Comment: The p.D952N variant (also known as c.2854G>A), located in coding exon 23 of the ABCC9 gene, results from a G to A substitution at nucleotide position 2854. The aspartic acid at codon 952 is replaced by asparagine, an amino acid with highly similar properties. This amino acid position is highly conserved in available vertebrate species. In addition, the in silico prediction for this alteration is inconclusive. Since supporting evidence is limited at this time, the clinical significance of this alteration remains unclear.

NM_020297.4(ABCC9):c.2854G>A (p.Asp952Asn)

Gene: ABCC9 (ATP binding cassette subfamily C member 9; minus strand). Cytogenetic location: 12p12.1.
Variant type: single nucleotide variant.
Coding change: c.2854G>A on transcript NM_020297.4 (MANE Select); coding-DNA position 2854, G replaced by A.
Protein change: p.Asp952Asn; replaces aspartic acid 952 with asparagine.
Molecular consequence: missense variant.
Genome position (GRCh38, 1-based): chr12:21,848,162, C>T on the plus strand (G>A on the coding strand, the complement: ABCC9 is on the minus strand). VCF-style: chr12-21848162-C-T. GRCh37 (hg19) VCF-style: chr12-22001096-C-T.
Other names: c.2854G>A, p.Asp952Asn (NM_001377273.1, NM_005691.4); c.1987G>A, p.Asp663Asn (NM_001377274.1); short protein forms D952N, D663N.
Identifiers: ClinVar variation 1796879 (VCV001796879.7), dbSNP rs1252181139, ClinGen allele CA384121619.